The following is an entry in ClinVar:

NM_000277.3(PAH):c.1159T>C (p.Tyr387His)

Gene: PAH (phenylalanine hydroxylase; minus strand). Cytogenetic location: 12q23.2.
Variant type: single nucleotide variant.
Coding change: c.1159T>C on transcript NM_000277.3 (MANE Select); coding-DNA position 1159, T replaced by C.
Protein change: p.Tyr387His; replaces tyrosine 387 with histidine.
Molecular consequence: missense variant.
Genome position (GRCh38, 1-based): chr12:102,843,686, A>G on the plus strand (T>C on the coding strand, the complement: PAH is on the minus strand). VCF-style: chr12-102843686-A-G. GRCh37 (hg19) VCF-style: chr12-103237464-A-G.
Other names: NM_000277.1(PAH):c.1159T>C; c.1159T>C, p.Tyr387His (NM_001354304.2); c.1159T>C (NM_000277.2); short protein forms Y387H.
Identifiers: ClinVar variation 102539 (VCV000102539.12), dbSNP rs62517194, ClinGen allele CA229363.

ClinVar aggregate classification (germline): Likely pathogenic. Review status: reviewed by expert panel (3 of 4 stars). 7 submissions from 6 submitters: Likely pathogenic (1). 6 of the submissions do not count toward it. Last evaluated 2020-08-17.

Conditions:
Phenylketonuria (PKU). Also called: Phenylketonuria (PKU); FOLLING DISEASE; OLIGOPHRENIA PHENYLPYRUVICA; Phenylketonurias. Identifiers: Orphanet 716, MedGen C0031485, MONDO:0009861, OMIM 261600. Disease mechanism: loss of function.
Malignant tumor of breast. Also called: Malignant breast neoplasm; Cancer breast. Identifiers: MedGen C0006142, MONDO:0007254. Disease mechanism: loss of function.

Allele frequency attached by ClinVar (database versions not stated): gnomAD exomes 0.00001.
gnomAD v4.1: 3 of 1,613,608 alleles (0.00019%); highest among the groups gnomAD compares: Non-Finnish European, 0.00025%; no homozygotes.

Submissions (7):

ClinGen PAH Variant Curation Expert Panel
Classification: Likely pathogenic for Phenylketonuria. Last evaluated: 2020-08-17. Review status: reviewed by expert panel. Criteria: ClinGen PAH ACMG Specifications v1. Collection method: curation. Allele origin: germline. Inheritance: Autosomal recessive inheritance.
Comment: The c.1159T>C (p.Tyr387His) variant in PAH has been reported in multiple individuals with PAH deficiency (BH4 deficiency excluded, PMID: 21147011, 21890392). This variant is absent in population databases. This variant was detected with multiple pathogenic variants: p.L48S, p.Y204X (PMID: 21147011); p.T323del (PMID: 9169088); c.754C>T, p.Arg252Trp (PMID: 21890392); p.Ala395Pro (PMID: 23357515); p.R261Q, c.782G>A (PMID: 23690520). Computational evidence support a deleterious effect. In summary, this variant meets criteria to be classified as likely pathogenic for PAH. PAH-specific ACMG/AMP criteria applied: PP4_Moderate, PM2, PM3_strong, PP3.

Natera, Inc.
Classification: Pathogenic for Phenylketonuria. Last evaluated: 2025-03-07. Review status: criteria provided, single submitter. Criteria: Natera Variant Classification Schema (03/2026). Collection method: clinical testing. Allele origin: germline. Not counted in ClinVar's aggregate classification.
Comment: The c.1159T>C variant in PAH is a missense variant predicted to cause substitution of tyrosine to histidine at amino acid 387. This variant is rare in the general population with a frequency below the threshold expected for the associated phenotype(s). This variant has been observed in one or more individuals affected with the associated recessive disease, as either homozygous or compound heterozygous with a second variant (PMID: 22526846, 23430918). A different variant at the same position has been determined to be Pathogenic or Likely Pathogenic. Computational prediction algorithms indicate this variant is likely to affect gene or protein function. Given the available evidence, this variant is classified as Pathogenic.

Women's Health and Genetics/Laboratory Corporation of America, LabCorp
Classification: Pathogenic for Phenylketonuria. Last evaluated: 2024-03-27. Review status: criteria provided, single submitter. Criteria: LabCorp Variant Classification Summary - May 2015. Collection method: clinical testing. Allele origin: germline. Not counted in ClinVar's aggregate classification.
Comment: Variant summary: PAH c.1159T>C (p.Tyr387His) results in a conservative amino acid change located in the Aromatic amino acid hydroxylase, C-terminal domain (IPR019774) of the encoded protein sequence. Four of five in-silico tools predict a damaging effect of the variant on protein function. The variant was absent in 251290 control chromosomes (gnomAD). c.1159T>C has been reported in the literature in multiple individuals affected with Phenylalanine Hydroxylase Deficiency (Phenylketonuria) (examples: Dobrowolski_2007, Kostandyan_2011, Sterl_2013, Pilotto_2019). These data indicate that the variant is very likely to be associated with disease. The following publications have been ascertained in the context of this evaluation (PMID: 17502162, 21890392, 30706953, 22526846). ClinVar contains an entry for this variant (Variation ID: 102539). Based on the evidence outlined above, the variant was classified as pathogenic.

Women's Health and Genetics/Laboratory Corporation of America, LabCorp
Classification: Pathogenic for Malignant tumor of breast. Last evaluated: 2024-03-27. Review status: criteria provided, single submitter. Criteria: LabCorp Variant Classification Summary - May 2015. Collection method: clinical testing. Allele origin: germline. Not counted in ClinVar's aggregate classification.
Comment: Variant summary: BARD1 c.1159T>C (p.Phe387Leu) results in a non-conservative amino acid change in the encoded protein sequence. Four of five in-silico tools predict a benign effect of the variant on protein function. The variant allele was found at a frequency of 4e-06 in 251224 control chromosomes. The available data on variant occurrences in the general population are insufficient to allow any conclusion about variant significance. To our knowledge, no occurrence of c.1159T>C in individuals affected with Breast Cancer and no experimental evidence demonstrating its impact on protein function have been reported. Seven submitters have cited clinical-significance assessments for this variant to ClinVar after 2014. All submitters classified the variant as uncertain significance. Based on the evidence outlined above, the variant was classified as uncertain significance.

Baylor Genetics
Classification: Pathogenic for Phenylketonuria. Last evaluated: 2024-01-16. Review status: criteria provided, single submitter. Criteria: ACMG Guidelines, 2015. Collection method: clinical testing. Allele origin: unknown. Not counted in ClinVar's aggregate classification.

Labcorp Genetics (formerly Invitae), Labcorp
Classification: Pathogenic for Phenylketonuria. Last evaluated: 2024-01-10. Review status: criteria provided, single submitter. Criteria: Invitae Variant Classification Sherloc (09022015). Collection method: clinical testing. Allele origin: germline. Not counted in ClinVar's aggregate classification.
Comment: This sequence change replaces tyrosine, which is neutral and polar, with histidine, which is basic and polar, at codon 387 of the PAH protein (p.Tyr387His). This variant is not present in population databases (gnomAD no frequency). This missense change has been observed in individual(s) with hyperphenylalaninemia (PMID: 23357515, 23856132, 32668217). ClinVar contains an entry for this variant (Variation ID: 102539). Advanced modeling of protein sequence and biophysical properties (such as structural, functional, and spatial information, amino acid conservation, physicochemical variation, residue mobility, and thermodynamic stability) has been performed at Invitae for this missense variant, however the output from this modeling did not meet the statistical confidence thresholds required to predict the impact of this variant on PAH protein function. For these reasons, this variant has been classified as Pathogenic.

DeBelle Laboratory for Biochemical Genetics, MUHC/MCH RESEARCH INSTITUTE
No classification provided. Review status: no classification provided. Collection method: not provided. Allele origin: not provided. Not counted in ClinVar's aggregate classification.

Literature cited by the submitters: PubMed 22526846 (cited by Natera, Inc. and Women's Health and Genetics/Laboratory Corporation of America, LabCorp); PubMed 23430918 (cited by Natera, Inc.); PubMed 17502162 (cited by Women's Health and Genetics/Laboratory Corporation of America, LabCorp); PubMed 21890392 (cited by Women's Health and Genetics/Laboratory Corporation of America, LabCorp); PubMed 30706953 (cited by Women's Health and Genetics/Laboratory Corporation of America, LabCorp); PubMed 23357515 (cited by Labcorp Genetics (formerly Invitae), Labcorp); PubMed 23856132 (cited by Labcorp Genetics (formerly Invitae), Labcorp); PubMed 32668217 (cited by Labcorp Genetics (formerly Invitae), Labcorp).